The following is an entry in ClinVar:

NM_201525.4(ADGRG1):c.733G>A (p.Gly245Ser)

Gene: ADGRG1 (adhesion G protein-coupled receptor G1; plus strand). Cytogenetic location: 16q21.
Variant type: single nucleotide variant.
Coding change: c.733G>A on transcript NM_201525.4 (MANE Select); coding-DNA position 733, G replaced by A.
Protein change: p.Gly245Ser; replaces glycine 245 with serine.
Molecular consequence: missense variant.
Genome position (GRCh38, 1-based): chr16:57,654,098, G>A. VCF-style: chr16-57654098-G-A. GRCh37 (hg19) VCF-style: chr16-57688010-G-A.
Other names: c.733G>A, p.Gly245Ser (NM_001145770.3, NM_001145771.3, NM_001145772.3 and 16 more transcripts); c.748G>A, p.Gly250Ser (NM_001145773.3, NM_001370433.1); c.223G>A, p.Gly75Ser (NM_001290142.2); c.208G>A, p.Gly70Ser (NM_001290143.2, NM_001290144.2, NM_001370451.1 and 2 more transcripts); c.577G>A, p.Gly193Ser (NM_001370442.1); short protein forms G245S, G250S, G75S, G193S, G70S.
Identifiers: ClinVar variation 259869 (VCV000259869.4), dbSNP rs564786398, ClinGen allele CA8078494.

ClinVar aggregate classification (germline): Conflicting classifications of pathogenicity. Review status: criteria provided, conflicting classifications (1 of 4 stars). 3 submissions from 3 submitters: Uncertain significance (1); Likely benign (2). Last evaluated 2022-06-13.

Conditions:
Inborn genetic diseases. Identifiers: MedGen C0950123, MeSH D030342.

Allele frequency attached by ClinVar (database versions not stated): gnomAD exomes 0.00001; TOPMed 0.00001; 1000 Genomes Project 0.00020; ExAC 0.00001; gnomAD 0.00001; 1000 Genomes Project 30x 0.00016.
gnomAD v4.1: 36 of 1,613,636 alleles (0.0022%); highest among the groups gnomAD compares: Non-Finnish European, 0.0029%; no homozygotes.

Submissions (3):

Ambry Genetics
Classification: Likely benign for Inborn genetic diseases. Last evaluated: 2022-06-13. Review status: criteria provided, single submitter. Criteria: Ambry Variant Classification Scheme 2023. Collection method: clinical testing. Allele origin: germline.

Labcorp Genetics (formerly Invitae), Labcorp
Classification: Uncertain significance. Last evaluated: 2022-03-28. Review status: criteria provided, single submitter. Criteria: Invitae Variant Classification Sherloc (09022015). Collection method: clinical testing. Allele origin: germline.
Comment: This sequence change replaces glycine, which is neutral and non-polar, with serine, which is neutral and polar, at codon 245 of the ADGRG1 protein (p.Gly245Ser). This variant is present in population databases (rs564786398, gnomAD 0.003%). This variant has not been reported in the literature in individuals affected with ADGRG1-related conditions. ClinVar contains an entry for this variant (Variation ID: 259869). Advanced modeling of protein sequence and biophysical properties (such as structural, functional, and spatial information, amino acid conservation, physicochemical variation, residue mobility, and thermodynamic stability) performed at Invitae indicates that this missense variant is not expected to disrupt ADGRG1 protein function. In summary, the available evidence is currently insufficient to determine the role of this variant in disease. Therefore, it has been classified as a Variant of Uncertain Significance.

PreventionGenetics, part of Exact Sciences
Classification: Likely benign. Review status: criteria provided, single submitter. Criteria: ACMG Guidelines, 2015. Collection method: clinical testing. Allele origin: germline.